The following is an entry in ClinVar:

ClinVar aggregate classification (germline): Uncertain significance. Review status: criteria provided, multiple submitters, no conflicts (2 of 4 stars). 2 submissions from 2 submitters: Uncertain significance (2). Last evaluated 2025-11-23.

Conditions:
Hereditary cancer-predisposing syndrome. Also called: Hereditary Cancer Syndrome; Hereditary neoplastic syndrome; Neoplastic Syndromes, Hereditary; Tumor predisposition. Identifiers: Orphanet 140162, MedGen C0027672, MeSH D009386, MONDO:0015356.
Bloom syndrome (BLM). Also called: Bloom-Torre-Machacek syndrome. Identifiers: Orphanet 125, MedGen C0005859, MONDO:0008876, OMIM 210900.

Allele frequency attached by ClinVar (database versions not stated): gnomAD 0.00001.
gnomAD v4.1: 2 of 1,611,350 alleles (0.00012%); highest among the groups gnomAD compares: African/African-American, 0.0027%; no homozygotes.

Submissions (2):

Ambry Genetics
Classification: Uncertain significance for Hereditary cancer-predisposing syndrome. Last evaluated: 2025-11-23. Review status: criteria provided, single submitter. Criteria: Ambry Variant Classification Scheme 2023. Collection method: clinical testing. Allele origin: germline.
Comment: The p.T206N variant (also known as c.617C>A), located in coding exon 2 of the BLM gene, results from a C to A substitution at nucleotide position 617. The threonine at codon 206 is replaced by asparagine, an amino acid with similar properties. This amino acid position is poorly conserved in available vertebrate species. In addition, this alteration is predicted to be tolerated by in silico analysis. Since supporting evidence is limited at this time, the clinical significance of this alteration remains unclear.

Labcorp Genetics (formerly Invitae), Labcorp
Classification: Uncertain significance for Bloom syndrome. Last evaluated: 2024-04-04. Review status: criteria provided, single submitter. Criteria: Invitae Variant Classification Sherloc (09022015). Collection method: clinical testing. Allele origin: germline.
Comment: This sequence change replaces threonine, which is neutral and polar, with asparagine, which is neutral and polar, at codon 206 of the BLM protein (p.Thr206Asn). This variant is present in population databases (no rsID available, gnomAD 0.01%). This variant has not been reported in the literature in individuals affected with BLM-related conditions. ClinVar contains an entry for this variant (Variation ID: 1752048). An algorithm developed to predict the effect of missense changes on protein structure and function (PolyPhen-2) suggests that this variant¬†is likely to be tolerated. In summary, the available evidence is currently insufficient to determine the role of this variant in disease. Therefore, it has been classified as a Variant of Uncertain Significance.

NM_000057.4(BLM):c.617C>A (p.Thr206Asn)

Gene: BLM (BLM RecQ like helicase; plus strand). Cytogenetic location: 15q26.1.
Variant type: single nucleotide variant.
Coding change: c.617C>A on transcript NM_000057.4 (MANE Select); coding-DNA position 617, C replaced by A.
Protein change: p.Thr206Asn; replaces threonine 206 with asparagine.
Molecular consequence: missense variant. On other transcripts: 5 prime UTR variant (1).
Genome position (GRCh38, 1-based): chr15:90,749,885, C>A. VCF-style: chr15-90749885-C-A. GRCh37 (hg19) VCF-style: chr15-91293115-C-A.
Other names: c.617C>A, p.Thr206Asn (NM_001287246.2, NM_001287247.2); c.-675C>A (NM_001287248.2); short protein forms T206N.
Identifiers: ClinVar variation 1752048 (VCV001752048.8), dbSNP rs932261711, ClinGen allele CA274728264.